The following is an entry in ClinVar:

NM_002047.4(GARS1):c.1171C>T (p.Arg391Cys)

Gene: GARS1 (glycyl-tRNA synthetase 1; plus strand). Cytogenetic location: 7p14.3.
Variant type: single nucleotide variant.
Coding change: c.1171C>T on transcript NM_002047.4 (MANE Select); coding-DNA position 1171, C replaced by T.
Protein change: p.Arg391Cys; replaces arginine 391 with cysteine.
Molecular consequence: missense variant.
Genome position (GRCh38, 1-based): chr7:30,616,035, C>T. VCF-style: chr7-30616035-C-T. GRCh37 (hg19) VCF-style: chr7-30655651-C-T.
Other names: c.1171C>T (LRG_243t1, NM_002047.3); c.1009C>T, p.Arg337Cys (NM_001316772.1); short protein forms R391C, R337C.
Identifiers: ClinVar variation 447371 (VCV000447371.60), dbSNP rs370057212, ClinGen allele CA4205908.

ClinVar aggregate classification (germline): Conflicting classifications of pathogenicity. Review status: criteria provided, conflicting classifications (1 of 4 stars). 8 submissions from 8 submitters: Uncertain significance (4); Likely benign (1). 3 of the submissions do not count toward it. Last evaluated 2026-08-03.

Conditions:
GARS1-related disorder. Also called: GARS1-related condition.
Charcot-Marie-Tooth disease type 2. Also called: Charcot-Marie-Tooth type 2. Identifiers: Orphanet 64746, MedGen C0270914, MONDO:0018993.
Charcot-Marie-Tooth disease. Also called: Charcot-Marie-Tooth Neuropathy; Charcot-Marie-Tooth Hereditary Neuropathy. Identifiers: Orphanet 166, MedGen C0007959, MONDO:0015626.
Charcot-Marie-Tooth disease type 2D (CMT2D). Also called: Charcot-Marie-Tooth Neuropathy Type 2D; CHARCOT-MARIE-TOOTH DISEASE, AXONAL, TYPE 2D; CHARCOT-MARIE-TOOTH DISEASE, NEURONAL, TYPE 2D; GARS1 Adolescent- or Early Adult-Onset Hereditary Motor/Sensory Neuropathy (GARS1-HMSN). Identifiers: Orphanet 99938, MedGen C1832274, MONDO:0011091, OMIM 601472.

Allele frequency attached by ClinVar (database versions not stated): TOPMed 0.00002.
gnomAD v4.1: 31 of 1,613,978 alleles (0.0019%); highest among the groups gnomAD compares: Middle Eastern, 0.016%; no homozygotes.

Submissions (8):

PreventionGenetics, part of Exact Sciences
Classification: Uncertain significance for GARS1-related condition. Last evaluated: 2026-08-03. Review status: criteria provided, single submitter. Criteria: ACMG Guidelines, 2015. Collection method: clinical testing. Allele origin: germline.
Comment: The GARS1 c.1171C>T variant is predicted to result in the amino acid substitution p.Arg391Cys. This variant has been reported in an individual with features of Charcot-Marie-Tooth disease; however, additional support for pathogenicity was not provided (Sivera et al. 2013. PubMed ID: 24078732; Lupo et al. 2016. PubMed ID: 26752306). This variant is reported in 0.0033% of alleles in individuals of South Asian descent in gnomAD. At this time, the clinical significance of this variant is uncertain due to the absence of conclusive functional and genetic evidence.

Labcorp Genetics (formerly Invitae), Labcorp
Classification: Uncertain significance for Charcot-Marie-Tooth disease type 2. Last evaluated: 2025-12-19. Review status: criteria provided, single submitter. Criteria: Invitae Variant Classification Sherloc (09022015). Collection method: clinical testing. Allele origin: germline.
Comment: This sequence change replaces arginine, which is basic and polar, with cysteine, which is neutral and slightly polar, at codon 391 of the GARS protein (p.Arg391Cys). This variant is present in population databases (rs370057212, gnomAD 0.003%). This missense change has been observed in individual(s) with Charcot Marie Tooth disease (PMID: 24078732). ClinVar contains an entry for this variant (Variation ID: 447371). Invitae Evidence Modeling of protein sequence and biophysical properties (such as structural, functional, and spatial information, amino acid conservation, physicochemical variation, residue mobility, and thermodynamic stability) indicates that this missense variant is not expected to disrupt GARS protein function with a negative predictive value of 80%. In summary, the available evidence is currently insufficient to determine the role of this variant in disease. Therefore, it has been classified as a Variant of Uncertain Significance.

Ambry Genetics
Classification: Uncertain significance. Last evaluated: 2025-08-13. Review status: criteria provided, single submitter. Criteria: Ambry Variant Classification Scheme 2023. Collection method: clinical testing. Allele origin: germline.

Athena Diagnostics
Classification: Uncertain significance. Last evaluated: 2021-04-07. Review status: criteria provided, single submitter. Criteria: Athena Diagnostics criteria. Collection method: clinical testing. Allele origin: unknown.

GeneDx
Classification: Likely benign. Last evaluated: 2020-12-22. Review status: criteria provided, single submitter. Criteria: GeneDx Variant Classification Process June 2021. Collection method: clinical testing. Allele origin: germline. Affected: yes.
Comment: This variant is associated with the following publications: (PMID: 26752306, 24078732)

Genesis Genome Database
Classification: Uncertain significance for Charcot-Marie-Tooth disease. Last evaluated: 2019-08-14. Review status: no assertion criteria provided. Collection method: research. Allele origin: germline. Affected: yes. Not counted in ClinVar's aggregate classification.

Inherited Neuropathy Consortium Ii, University Of Miami
Classification: Uncertain significance for Charcot-Marie-Tooth disease type 2D. Last evaluated: 2016-01-06. Review status: no assertion criteria provided. Collection method: literature only. Allele origin: germline. Affected: yes. Not counted in ClinVar's aggregate classification.

Inherited Neuropathy Consortium
Classification: Likely benign for Charcot-Marie-Tooth disease. Review status: no assertion criteria provided. Collection method: literature only. Allele origin: germline. Affected: yes. Not counted in ClinVar's aggregate classification.

Literature cited by the submitters: PubMed 24078732 (cited by 4 submitters); PubMed 26752306 (cited by Athena Diagnostics).